The following is an entry in ClinVar:

ClinVar aggregate classification (germline): Uncertain significance. Review status: criteria provided, multiple submitters, no conflicts (2 of 4 stars). 2 submissions from 2 submitters: Uncertain significance (2). Last evaluated 2024-09-03.

Conditions:
Periodic fever-infantile enterocolitis-autoinflammatory syndrome. Also called: Autoinflammation with infantile enterocolitis. Identifiers: Orphanet 436166, MedGen C4015067, MONDO:0014472, OMIM 616050.
Familial cold autoinflammatory syndrome 4 (FCAS4). Identifiers: Orphanet 47045, Orphanet 576349, MedGen C4015276, MONDO:0014498, OMIM 616115.

Allele frequency attached by ClinVar (database versions not stated): TOPMed 0.00001; gnomAD 0.00002; gnomAD exomes 0.00002 and 0.00001; ExAC 0.00002.
gnomAD v4.1: 22 of 1,614,022 alleles (0.0014%); highest among the groups gnomAD compares: East Asian, 0.0045%; no homozygotes.

Submissions (2):

Blueprint Genetics
Classification: Uncertain significance. Last evaluated: 2024-09-03. Review status: criteria provided, single submitter. Criteria: ACMG Guidelines, 2015. Collection method: clinical testing. Allele origin: germline.

Labcorp Genetics (formerly Invitae), Labcorp
Classification: Uncertain significance for Periodic fever-infantile enterocolitis-autoinflammatory syndrome; Familial cold autoinflammatory syndrome 4. Last evaluated: 2024-01-22. Review status: criteria provided, single submitter. Criteria: Invitae Variant Classification Sherloc (09022015). Collection method: clinical testing. Allele origin: germline.
Comment: This sequence change replaces valine, which is neutral and non-polar, with isoleucine, which is neutral and non-polar, at codon 277 of the NLRC4 protein (p.Val277Ile). This variant is present in population databases (rs770290700, gnomAD 0.02%). This variant has not been reported in the literature in individuals affected with NLRC4-related conditions. ClinVar contains an entry for this variant (Variation ID: 1501970). Advanced modeling of protein sequence and biophysical properties (such as structural, functional, and spatial information, amino acid conservation, physicochemical variation, residue mobility, and thermodynamic stability) performed at Invitae indicates that this missense variant is not expected to disrupt NLRC4 protein function with a negative predictive value of 80%. In summary, the available evidence is currently insufficient to determine the role of this variant in disease. Therefore, it has been classified as a Variant of Uncertain Significance.

NM_001199138.2(NLRC4):c.829G>A (p.Val277Ile)

Gene: NLRC4 (NLR family CARD domain containing 4; minus strand). Cytogenetic location: 2p22.3.
Variant type: single nucleotide variant.
Coding change: c.829G>A on transcript NM_001199138.2 (MANE Select); coding-DNA position 829, G replaced by A.
Protein change: p.Val277Ile; replaces valine 277 with isoleucine.
Molecular consequence: missense variant. On other transcripts: intron variant (1).
Genome position (GRCh38, 1-based): chr2:32,251,035, C>T on the plus strand (G>A on the coding strand, the complement: NLRC4 is on the minus strand). VCF-style: chr2-32251035-C-T. GRCh37 (hg19) VCF-style: chr2-32476104-C-T.
Other names: c.829G>A, p.Val277Ile (NM_001199139.2, NM_021209.5); c.262+1384G>A (NM_001302504.1); short protein forms V277I.
Identifiers: ClinVar variation 1501970 (VCV001501970.9), dbSNP rs770290700, ClinGen allele CA1602081.